The following is an entry in ClinVar:

ClinVar aggregate classification (germline): Uncertain significance (1 of 4 stars; one submission).

Submission:

GeneDx
Classification: Uncertain significance. Last evaluated: 2026-03-05. Review status: criteria provided, single submitter. Criteria: GeneDx Variant Classification Process June 2021. Collection method: clinical testing. Allele origin: germline.
Comment: Not observed at significant frequency in large population cohorts (gnomAD); In silico analysis suggests that this missense variant does not alter protein structure/function; Has not been previously published as pathogenic or benign to our knowledge

NM_002547.3(OPHN1):c.719C>A (p.Ser240Tyr)

Gene: OPHN1 (oligophrenin 1; minus strand). Cytogenetic location: Xq12.
Variant type: single nucleotide variant.
Coding change: c.719C>A on transcript NM_002547.3 (MANE Select); coding-DNA position 719, C replaced by A.
Protein change: p.Ser240Tyr; replaces serine 240 with tyrosine.
Molecular consequence: missense variant.
Genome position (GRCh38, 1-based): chrX:68,210,266, G>T on the plus strand (C>A on the coding strand, the complement: OPHN1 is on the minus strand). VCF-style: chrX-68210266-G-T. GRCh37 (hg19) VCF-style: chrX-67430108-G-T.
Other names: c.719C>A, p.Ser240Tyr (NM_001437258.1); short protein forms S240Y.
Identifiers: ClinVar variation 5008469 (VCV005008469.1).